The following is an entry in ClinVar:

NM_003579.4(RAD54L):c.2206C>T (p.His736Tyr)

Genes: RAD54L (RAD54 like; plus strand), LRRC41 (leucine rich repeat containing 41; minus strand). Cytogenetic location: 1p34.1.
Variant type: single nucleotide variant.
Coding change: c.2206C>T on transcript NM_003579.4 (MANE Select); coding-DNA position 2206, C replaced by T.
Protein change: p.His736Tyr; replaces histidine 736 with tyrosine.
Molecular consequence: missense variant. On other transcripts: 3 prime UTR variant (1).
Genome position (GRCh38, 1-based): chr1:46,278,244, C>T. VCF-style: chr1-46278244-C-T. GRCh37 (hg19) VCF-style: chr1-46743916-C-T.
Other names: c.*621G>A (NM_006369.5); c.2206C>T, p.His736Tyr (NM_001142548.2); c.1666C>T, p.His556Tyr (NM_001370766.1); short protein forms H556Y, H736Y.
Identifiers: ClinVar variation 1787689 (VCV001787689.2), dbSNP rs2148309304, ClinGen allele CA340191457.

ClinVar aggregate classification (germline): Uncertain significance (1 of 4 stars; one submission).

Submission:

Ambry Genetics
Classification: Uncertain significance. Last evaluated: 2022-07-27. Review status: criteria provided, single submitter. Criteria: Ambry Variant Classification Scheme 2023. Collection method: clinical testing. Allele origin: germline.
Comment: The p.H736Y variant (also known as c.2206C>T), located in coding exon 18 of the RAD54L gene, results from a C to T substitution at nucleotide position 2206. The histidine at codon 736 is replaced by tyrosine, an amino acid with similar properties. This amino acid position is conserved. In addition, the in silico prediction for this alteration is inconclusive. Since supporting evidence is limited at this time, the clinical significance of this alteration remains unclear.